The following is an entry in ClinVar:

ClinVar aggregate classification (germline): Conflicting classifications of pathogenicity. Review status: criteria provided, conflicting classifications (1 of 4 stars). 4 submissions from 4 submitters: Uncertain significance (1); Likely benign (3). Last evaluated 2025-09-10.

Conditions:
Hereditary breast ovarian cancer syndrome. Also called: Hereditary breast and ovarian cancer syndrome; BRCA1- and BRCA2-Associated Hereditary Breast and Ovarian Cancer; Breast and ovarian cancer; Hereditary breast and/or ovarian cancer syndrome; Hereditary breast and ovarian cancer; Hereditary breast and ovarian cancer syndrome (HBOC). Identifiers: Orphanet 145, MedGen C0677776, MeSH D061325, MONDO:0003582. Disease mechanism: loss of function.
Hereditary cancer-predisposing syndrome. Also called: Neoplastic Syndromes, Hereditary; Tumor predisposition; Hereditary Cancer Syndrome; Hereditary neoplastic syndrome. Identifiers: Orphanet 140162, MedGen C0027672, MeSH D009386, MONDO:0015356.

Allele frequency attached by ClinVar (database versions not stated): gnomAD exomes below 0.00001; ExAC 0.00001.
gnomAD v4.1: 2 of 1,584,752 alleles (0.00013%); highest among the groups gnomAD compares: Non-Finnish European, 0.000086%; no homozygotes.

Submissions (4):

Labcorp Genetics (formerly Invitae), Labcorp
Classification: Uncertain significance for Hereditary breast ovarian cancer syndrome. Last evaluated: 2025-09-10. Review status: criteria provided, single submitter. Criteria: Invitae Variant Classification Sherloc (09022015). Collection method: clinical testing. Allele origin: germline.
Comment: This sequence change replaces serine, which is neutral and polar, with asparagine, which is neutral and polar, at codon 1328 of the BRCA2 protein (p.Ser1328Asn). This variant is present in population databases (rs753690365, gnomAD no frequency). This missense change has been observed in individual(s) with breast cancer (PMID: 30287823). ClinVar contains an entry for this variant (Variation ID: 233015). Invitae Evidence Modeling of protein sequence and biophysical properties (such as structural, functional, and spatial information, amino acid conservation, physicochemical variation, residue mobility, and thermodynamic stability) indicates that this missense variant is not expected to disrupt BRCA2 protein function with a negative predictive value of 95%. In summary, the available evidence is currently insufficient to determine the role of this variant in disease. Therefore, it has been classified as a Variant of Uncertain Significance.

University of Washington Department of Laboratory Medicine, University of Washington
Classification: Likely benign for Hereditary cancer-predisposing syndrome. Last evaluated: 2023-03-23. Review status: criteria provided, single submitter. Criteria: Dines et al. (Genet Med. 2020). Collection method: curation. Allele origin: germline.
Comment: Missense variant in a coldspot region where missense variants are very unlikely to be pathogenic (PMID:31911673).

BRCA2 exon 11 coldspot. Reclassification based on statistical prior probability.

Color Diagnostics, LLC DBA Color Health
Classification: Likely benign for Hereditary cancer-predisposing syndrome. Last evaluated: 2016-09-26. Review status: criteria provided, single submitter. Criteria: ACMG Guidelines, 2015. Collection method: clinical testing. Allele origin: germline.

Ambry Genetics
Classification: Likely benign for Hereditary cancer-predisposing syndrome. Last evaluated: 2015-07-18. Review status: criteria provided, single submitter. Criteria: Ambry Variant Classification Scheme 2023. Collection method: clinical testing. Allele origin: germline.

Literature cited by the submitters: PubMed 30287823 (cited by Labcorp Genetics (formerly Invitae), Labcorp).

NM_000059.4(BRCA2):c.3983G>A (p.Ser1328Asn)

Gene: BRCA2 (BRCA2 DNA repair associated; plus strand). Cytogenetic location: 13q13.1.
Variant type: single nucleotide variant.
Coding change: c.3983G>A on transcript NM_000059.4 (MANE Select); coding-DNA position 3983, G replaced by A.
Protein change: p.Ser1328Asn; replaces serine 1328 with asparagine.
Molecular consequence: missense variant.
Genome position (GRCh38, 1-based): chr13:32,338,338, G>A. VCF-style: chr13-32338338-G-A. GRCh37 (hg19) VCF-style: chr13-32912475-G-A.
Other names: short protein forms S1328N.
Identifiers: ClinVar variation 233015 (VCV000233015.16), dbSNP rs753690365, ClinGen allele CA6940737.